The following is an entry in ClinVar:

NM_001040716.2(PC):c.1767G>T (p.Lys589Asn)

Gene: PC (pyruvate carboxylase; minus strand). Cytogenetic location: 11q13.2.
Variant type: single nucleotide variant.
Coding change: c.1767G>T on transcript NM_001040716.2 (MANE Select); coding-DNA position 1767, G replaced by T.
Protein change: p.Lys589Asn; replaces lysine 589 with asparagine.
Molecular consequence: missense variant.
Genome position (GRCh38, 1-based): chr11:66,852,497, C>A on the plus strand (G>T on the coding strand, the complement: PC is on the minus strand). VCF-style: chr11-66852497-C-A. GRCh37 (hg19) VCF-style: chr11-66619968-C-A.
Other names: p.K589N:AAG>AAT; c.1767G>T, p.Lys589Asn (NM_000920.4, NM_022172.3); short protein forms K589N.
Identifiers: ClinVar variation 203897 (VCV000203897.7), dbSNP rs143725101, ClinGen allele CA312851.

ClinVar aggregate classification (germline): Conflicting classifications of pathogenicity. Review status: criteria provided, conflicting classifications (1 of 4 stars). 3 submissions from 3 submitters: Uncertain significance (1); Likely benign (2). Last evaluated 2024-10-03.

Conditions:
Inborn genetic diseases. Identifiers: MedGen C0950123, MeSH D030342.
Pyruvate carboxylase deficiency. Also called: LEIGH NECROTIZING ENCEPHALOPATHY DUE TO PYRUVATE CARBOXYLASE DEFICIENCY; LEIGH SYNDROME DUE TO PYRUVATE CARBOXYLASE DEFICIENCY; PC DEFICIENCY; ATAXIA WITH LACTIC ACIDOSIS II; Pyruvate Carboxylase Deficiency Disease. Identifiers: Orphanet 3008, MedGen C0034341, MONDO:0009949, OMIM 266150.

Allele frequency attached by ClinVar (database versions not stated): gnomAD 0.00004; ESP Exome Variant Server 0.00008; ExAC 0.00002; TOPMed 0.00003.
gnomAD v4.1: 16 of 1,613,948 alleles (0.00099%); highest among the groups gnomAD compares: African/African-American, 0.017%; no homozygotes.

Submissions (3):

Labcorp Genetics (formerly Invitae), Labcorp
Classification: Likely benign for Pyruvate carboxylase deficiency. Last evaluated: 2024-10-03. Review status: criteria provided, single submitter. Criteria: Invitae Variant Classification Sherloc (09022015). Collection method: clinical testing. Allele origin: germline.

Ambry Genetics
Classification: Uncertain significance for Inborn genetic diseases. Last evaluated: 2023-08-02. Review status: criteria provided, single submitter. Criteria: Ambry Variant Classification Scheme 2023. Collection method: clinical testing. Allele origin: germline.

GeneDx
Classification: Likely benign. Last evaluated: 2013-12-26. Review status: criteria provided, single submitter. Criteria: GeneDx Variant Classification (06012015). Collection method: clinical testing. Allele origin: germline. Affected: yes.
Comment: This variant is considered likely benign or benign based on one or more of the following criteria: it is a conservative change, it occurs at a poorly conserved position in the protein, it is predicted to be benign by multiple in silico algorithms, and/or has population frequency not consistent with disease.